The following is an entry in ClinVar:

NM_007194.4(CHEK2):c.655G>A (p.Glu219Lys)

Gene: CHEK2 (checkpoint kinase 2; minus strand). Cytogenetic location: 22q12.1.
Variant type: single nucleotide variant.
Coding change: c.655G>A on transcript NM_007194.4 (MANE Select); coding-DNA position 655, G replaced by A.
Protein change: p.Glu219Lys; replaces glutamic acid 219 with lysine.
Molecular consequence: missense variant. On other transcripts: 5 prime UTR variant (2), intron variant (1).
Genome position (GRCh38, 1-based): chr22:28,719,423, C>T on the plus strand (G>A on the coding strand, the complement: CHEK2 is on the minus strand). VCF-style: chr22-28719423-C-T. GRCh37 (hg19) VCF-style: chr22-29115411-C-T.
Other names: c.784G>A, p.Glu262Lys (NM_001005735.3, NM_001438294.1); c.-9G>A (NM_001257387.3, NM_001437942.1); c.748G>A, p.Glu250Lys (NM_001438293.1, NM_001438295.1); c.655G>A, p.Glu219Lys (NM_145862.3); c.482+5463G>A (NM_001349956.3); short protein forms E219K, E262K, E250K.
Identifiers: ClinVar variation 2566535 (VCV002566535.2), dbSNP rs1601805632, ClinGen allele CA411104946.

ClinVar aggregate classification (germline): Uncertain significance (1 of 4 stars; one submission).

Conditions:
Hereditary cancer-predisposing syndrome. Also called: Neoplastic Syndromes, Hereditary; Hereditary Cancer Syndrome; Hereditary neoplastic syndrome; Tumor predisposition. Identifiers: Orphanet 140162, MedGen C0027672, MeSH D009386, MONDO:0015356.

Submission:

Ambry Genetics
Classification: Uncertain significance for Hereditary cancer-predisposing syndrome. Last evaluated: 2023-04-03. Review status: criteria provided, single submitter. Criteria: Ambry Variant Classification Scheme 2023. Collection method: clinical testing. Allele origin: germline.
Comment: The p.E219K variant (also known as c.655G>A), located in coding exon 4 of the CHEK2 gene, results from a G to A substitution at nucleotide position 655. The glutamic acid at codon 219 is replaced by lysine, an amino acid with similar properties. This amino acid position is conserved. In addition, this alteration is predicted to be tolerated by in silico analysis. Since supporting evidence is limited at this time, the clinical significance of this alteration remains unclear.